The following is an entry in ClinVar:

NM_000257.4(MYH7):c.1424A>T (p.Gln475Leu)

Gene: MYH7 (myosin heavy chain 7; minus strand). Cytogenetic location: 14q11.2.
Variant type: single nucleotide variant.
Coding change: c.1424A>T on transcript NM_000257.4 (MANE Select); coding-DNA position 1424, A replaced by T.
Protein change: p.Gln475Leu; replaces glutamine 475 with leucine.
Molecular consequence: missense variant.
Genome position (GRCh38, 1-based): chr14:23,428,654, T>A on the plus strand (A>T on the coding strand, the complement: MYH7 is on the minus strand). VCF-style: chr14-23428654-T-A. GRCh37 (hg19) VCF-style: chr14-23897863-T-A.
Other names: short protein forms Q475L.
Identifiers: ClinVar variation 1473338 (VCV001473338.8), dbSNP rs1595086356, ClinGen allele CA389050633.

ClinVar aggregate classification (germline): Uncertain significance (1 of 4 stars; one submission).

Conditions:
Hypertrophic cardiomyopathy. Also called: HYPERTROPHIC MYOCARDIOPATHY. Identifiers: Orphanet 217569, MedGen C0007194, MeSH D002312, MONDO:0005045, HP:0001639.

Submission:

Labcorp Genetics (formerly Invitae), Labcorp
Classification: Uncertain significance for Hypertrophic cardiomyopathy. Last evaluated: 2021-03-01. Review status: criteria provided, single submitter. Criteria: Invitae Variant Classification Sherloc (09022015). Collection method: clinical testing. Allele origin: germline.
Comment: In summary, the available evidence is currently insufficient to determine the role of this variant in disease. Therefore, it has been classified as a Variant of Uncertain Significance. This variant is found within a region of MYH7 between codons 181 and 937 that contains the majority of the myosin head domain. Missense variants in this region have been shown to be significantly overrepresented in individuals with hypertrophic cardiomyopathy (PMID: 27532257). Algorithms developed to predict the effect of missense changes on protein structure and function (SIFT, PolyPhen-2, Align-GVGD) all suggest that this variant is likely to be disruptive, but these predictions have not been confirmed by published functional studies and their clinical significance is uncertain. This variant has not been reported in the literature in individuals with MYH7-related conditions. This variant is not present in population databases (ExAC no frequency). This sequence change replaces glutamine with leucine at codon 475 of the MYH7 protein (p.Gln475Leu). The glutamine residue is highly conserved and there is a moderate physicochemical difference between glutamine and leucine.

Literature cited by the submitters: PubMed 27532257.